The following is an entry in ClinVar:

ClinVar aggregate classification (germline): Uncertain significance. Review status: criteria provided, multiple submitters, no conflicts (2 of 4 stars). 2 submissions from 2 submitters: Uncertain significance (2). Last evaluated 2023-09-19.

Conditions:
Autosomal dominant hypocalcemia 1 (HYPOC1). Also called: HYPOCALCEMIA, FAMILIAL. Identifiers: MedGen C3715128, MONDO:0011013, OMIM 601198.
Familial hypocalciuric hypercalcemia (FHH). Also called: Familial benign hypercalcemia. Identifiers: Orphanet 405, MedGen C1809471, MONDO:0018458.

Allele frequency attached by ClinVar (database versions not stated): gnomAD exomes below 0.00001.
gnomAD v4.1: 2 of 1,613,794 alleles (0.00012%); highest among the groups gnomAD compares: Non-Finnish European, 0.00017%; no homozygotes.

Submissions (2):

Centre for Clinical Genetics and Genomic Diagnostics, Zealand University Hospital
Classification: Uncertain significance. Last evaluated: 2023-09-19. Review status: criteria provided, single submitter. Criteria: ACMG Guidelines, 2015. Collection method: clinical testing. Allele origin: germline. Affected: yes.

Labcorp Genetics (formerly Invitae), Labcorp
Classification: Uncertain significance for Familial hypocalciuric hypercalcemia; Autosomal dominant hypocalcemia 1. Last evaluated: 2022-07-12. Review status: criteria provided, single submitter. Criteria: Invitae Variant Classification Sherloc (09022015). Collection method: clinical testing. Allele origin: germline.
Comment: This sequence change replaces tyrosine, which is neutral and polar, with cysteine, which is neutral and slightly polar, at codon 63 of the CASR protein (p.Tyr63Cys). This variant is present in population databases (no rsID available, gnomAD 0.0009%). This variant has not been reported in the literature in individuals affected with CASR-related conditions. ClinVar contains an entry for this variant (Variation ID: 1476242). Algorithms developed to predict the effect of missense changes on protein structure and function (SIFT, PolyPhen-2, Align-GVGD) all suggest that this variant is likely to be disruptive. In summary, the available evidence is currently insufficient to determine the role of this variant in disease. Therefore, it has been classified as a Variant of Uncertain Significance.

NM_000388.4(CASR):c.188A>G (p.Tyr63Cys)

Gene: CASR (calcium sensing receptor; plus strand). Cytogenetic location: 3q21.1.
Variant type: single nucleotide variant.
Coding change: c.188A>G on transcript NM_000388.4 (MANE Select); coding-DNA position 188, A replaced by G.
Protein change: p.Tyr63Cys; replaces tyrosine 63 with cysteine.
Molecular consequence: missense variant.
Genome position (GRCh38, 1-based): chr3:122,257,083, A>G. VCF-style: chr3-122257083-A-G. GRCh37 (hg19) VCF-style: chr3-121975930-A-G.
Other names: c.188A>G, p.Tyr63Cys (NM_001178065.2); short protein forms Y63C.
Identifiers: ClinVar variation 1476242 (VCV001476242.7), dbSNP rs1291192328, ClinGen allele CA354362340.